The following is an entry in ClinVar:

ClinVar aggregate classification (germline): Uncertain significance (1 of 4 stars; one submission).

Submission:

Labcorp Genetics (formerly Invitae), Labcorp
Classification: Uncertain significance. Last evaluated: 2022-08-24. Review status: criteria provided, single submitter. Criteria: Invitae Variant Classification Sherloc (09022015). Collection method: clinical testing. Allele origin: germline.
Comment: This sequence change replaces methionine, which is neutral and non-polar, with valine, which is neutral and non-polar, at codon 1531 of the NSD1 protein (p.Met1531Val). In summary, the available evidence is currently insufficient to determine the role of this variant in disease. Therefore, it has been classified as a Variant of Uncertain Significance. Advanced modeling of protein sequence and biophysical properties (such as structural, functional, and spatial information, amino acid conservation, physicochemical variation, residue mobility, and thermodynamic stability) performed at Invitae indicates that this missense variant is not expected to disrupt NSD1 protein function. This variant has not been reported in the literature in individuals affected with NSD1-related conditions. This variant is not present in population databases (gnomAD no frequency).

NM_022455.5(NSD1):c.4591A>G (p.Met1531Val)

Gene: NSD1 (nuclear receptor binding SET domain protein 1; plus strand). Cytogenetic location: 5q35.3.
Variant type: single nucleotide variant.
Coding change: c.4591A>G on transcript NM_022455.5 (MANE Select); coding-DNA position 4591, A replaced by G.
Protein change: p.Met1531Val; replaces methionine 1531 with valine.
Molecular consequence: missense variant.
Genome position (GRCh38, 1-based): chr5:177,248,274, A>G. VCF-style: chr5-177248274-A-G. GRCh37 (hg19) VCF-style: chr5-176675275-A-G.
Other names: c.3718A>G, p.Met1240Val (NM_001365684.2, NM_001409306.1, NM_001409307.1 and 3 more transcripts); c.4591A>G, p.Met1531Val (NM_001409301.1, NM_001409302.1, NM_001409303.1); c.4171A>G, p.Met1391Val (NM_001409304.1); c.3838A>G, p.Met1280Val (NM_001409305.1); short protein forms M1240V, M1262V, M1280V, M1391V, M1531V.
Identifiers: ClinVar variation 1717958 (VCV001717958.6), dbSNP rs1274161587, ClinGen allele CA362349811.